The following is an entry in ClinVar:

ClinVar aggregate classification (germline): Uncertain significance (1 of 4 stars; one submission).

Conditions:
Hereditary breast ovarian cancer syndrome. Also called: Hereditary breast and ovarian cancer syndrome; Hereditary breast and ovarian cancer syndrome (HBOC); BRCA1- and BRCA2-Associated Hereditary Breast and Ovarian Cancer; Hereditary breast and ovarian cancer; Breast and ovarian cancer; Hereditary breast and/or ovarian cancer syndrome. Identifiers: Orphanet 145, MedGen C0677776, MeSH D061325, MONDO:0003582. Disease mechanism: loss of function.

Submission:

Labcorp Genetics (formerly Invitae), Labcorp
Classification: Uncertain significance for Hereditary breast ovarian cancer syndrome. Last evaluated: 2024-11-12. Review status: criteria provided, single submitter. Criteria: Invitae Variant Classification Sherloc (09022015). Collection method: clinical testing. Allele origin: germline.
Comment: This sequence change replaces aspartic acid, which is acidic and polar, with histidine, which is basic and polar, at codon 1990 of the BRCA2 protein (p.Asp1990His). This variant is not present in population databases (gnomAD no frequency). This variant has not been reported in the literature in individuals affected with BRCA2-related conditions. Invitae Evidence Modeling of protein sequence and biophysical properties (such as structural, functional, and spatial information, amino acid conservation, physicochemical variation, residue mobility, and thermodynamic stability) indicates that this missense variant is not expected to disrupt BRCA2 protein function with a negative predictive value of 95%. In summary, the available evidence is currently insufficient to determine the role of this variant in disease. Therefore, it has been classified as a Variant of Uncertain Significance.

NM_000059.4(BRCA2):c.5968G>C (p.Asp1990His)

Gene: BRCA2 (BRCA2 DNA repair associated; plus strand). Cytogenetic location: 13q13.1.
Variant type: single nucleotide variant.
Coding change: c.5968G>C on transcript NM_000059.4 (MANE Select); coding-DNA position 5968, G replaced by C.
Protein change: p.Asp1990His; replaces aspartic acid 1990 with histidine.
Molecular consequence: missense variant. On other transcripts: non-coding transcript variant (1), intron variant (2).
Genome position (GRCh38, 1-based): chr13:32,340,323, G>C. VCF-style: chr13-32340323-G-C. GRCh37 (hg19) VCF-style: chr13-32914460-G-C.
Other names: c.5968G>C, p.Asp1990His (NM_001432077.1, NM_001406719.1, NM_001406720.1); c.1910-4235G>C (NM_001406721.1); c.425-4235G>C (NM_001406722.1); short protein forms D1990H.
Identifiers: ClinVar variation 3636502 (VCV003636502.2).